The following is an entry in ClinVar:

NM_020964.3(EPG5):c.6726G>A (p.Met2242Ile)

Gene: EPG5 (ectopic P-granules 5 autophagy tethering factor; minus strand). Cytogenetic location: 18q12.3.
Variant type: single nucleotide variant.
Coding change: c.6726G>A on transcript NM_020964.3 (MANE Select); coding-DNA position 6726, G replaced by A.
Protein change: p.Met2242Ile; replaces methionine 2242 with isoleucine.
Molecular consequence: missense variant.
Genome position (GRCh38, 1-based): chr18:45,865,655, C>T on the plus strand (G>A on the coding strand, the complement: EPG5 is on the minus strand). VCF-style: chr18-45865655-C-T. GRCh37 (hg19) VCF-style: chr18-43445620-C-T.
Other names: c.6726G>A, p.Met2242Ile (LRG_1234t1); short protein forms M2242I.
Identifiers: ClinVar variation 661073 (VCV000661073.9), dbSNP rs866193216, ClinGen allele CA299698157.

ClinVar aggregate classification (germline): Uncertain significance (1 of 4 stars; one submission).

Conditions:
Vici syndrome (VICIS). Identifiers: Orphanet 1493, MedGen C1855772, MONDO:0009452, OMIM 242840.

Allele frequency attached by ClinVar (database versions not stated): gnomAD exomes 0.00001.
gnomAD v4.1: 9 of 1,613,818 alleles (0.00056%); highest among the groups gnomAD compares: Middle Eastern, 0.099%; no homozygotes.

Submission:

Labcorp Genetics (formerly Invitae), Labcorp
Classification: Uncertain significance for Vici syndrome. Last evaluated: 2021-08-24. Review status: criteria provided, single submitter. Criteria: Invitae Variant Classification Sherloc (09022015). Collection method: clinical testing. Allele origin: germline.
Comment: This sequence change replaces methionine with isoleucine at codon 2242 of the EPG5 protein (p.Met2242Ile). The methionine residue is moderately conserved and there is a small physicochemical difference between methionine and isoleucine. This variant is not present in population databases (ExAC no frequency). This variant has not been reported in the literature in individuals affected with EPG5-related conditions. Algorithms developed to predict the effect of missense changes on protein structure and function output the following: SIFT: "Tolerated"; PolyPhen-2: "Benign"; Align-GVGD: "Class C0". The isoleucine amino acid residue is found in multiple mammalian species, which suggests that this missense change does not adversely affect protein function. In summary, the available evidence is currently insufficient to determine the role of this variant in disease. Therefore, it has been classified as a Variant of Uncertain Significance.